The following is an entry in ClinVar:

ClinVar aggregate classification (germline): Uncertain significance (1 of 4 stars; one submission).

Conditions:
Familial hypobetalipoproteinemia 1. Also called: APOB-Related Familial Hypobetalipoproteinemia; Hypobetalipoproteinemia, normotriglyceridemic; Acanthocytosis with hypobetalipoproteinemia. Identifiers: MedGen C4551990, MONDO:0014252, OMIM 615558.
Hypercholesterolemia, autosomal dominant, type B (FHCL2). Also called: Familial Hypercholesterolemia Type B; APOLIPOPROTEIN B-100, FAMILIAL DEFECTIVE; APOLIPOPROTEIN B-100, FAMILIAL LIGAND-DEFECTIVE; HYPERCHOLESTEROLEMIA, FAMILIAL, DUE TO LIGAND-DEFECTIVE APOLIPOPROTEIN B; Hyperlipoproteinemia Type IIb; Familial hypercholesterolemia 2. Identifiers: MedGen C1704417, MONDO:0007751, OMIM 144010.

Allele frequency attached by ClinVar (database versions not stated): gnomAD exomes below 0.00001.
gnomAD v4.1: 1 of 1,613,960 alleles (0.000062%); highest among the groups gnomAD compares: Admixed American, 0.0017%; no homozygotes.

Submission:

Labcorp Genetics (formerly Invitae), Labcorp
Classification: Uncertain significance for Familial hypobetalipoproteinemia 1; Hypercholesterolemia, autosomal dominant, type B. Last evaluated: 2023-04-03. Review status: criteria provided, single submitter. Criteria: Invitae Variant Classification Sherloc (09022015). Collection method: clinical testing. Allele origin: germline.
Comment: In summary, the available evidence is currently insufficient to determine the role of this variant in disease. Therefore, it has been classified as a Variant of Uncertain Significance. This sequence change replaces tyrosine, which is neutral and polar, with cysteine, which is neutral and slightly polar, at codon 3223 of the APOB protein (p.Tyr3223Cys). This variant is not present in population databases (gnomAD no frequency). This variant has not been reported in the literature in individuals affected with APOB-related conditions. Advanced modeling of protein sequence and biophysical properties (such as structural, functional, and spatial information, amino acid conservation, physicochemical variation, residue mobility, and thermodynamic stability) performed at Invitae indicates that this missense variant is not expected to disrupt APOB protein function.

NM_000384.3(APOB):c.9668A>G (p.Tyr3223Cys)

Gene: APOB (apolipoprotein B; minus strand). Cytogenetic location: 2p24.1.
Variant type: single nucleotide variant.
Coding change: c.9668A>G on transcript NM_000384.3 (MANE Select); coding-DNA position 9668, A replaced by G.
Protein change: p.Tyr3223Cys; replaces tyrosine 3223 with cysteine.
Molecular consequence: missense variant.
Genome position (GRCh38, 1-based): chr2:21,007,200, T>C on the plus strand (A>G on the coding strand, the complement: APOB is on the minus strand). VCF-style: chr2-21007200-T-C. GRCh37 (hg19) VCF-style: chr2-21230072-T-C.
Other names: short protein forms Y3223C.
Identifiers: ClinVar variation 2931110 (VCV002931110.3), dbSNP rs2465362336, ClinGen allele CA345989247.